The following is an entry in ClinVar:

ClinVar aggregate classification (germline): Uncertain significance (1 of 4 stars; one submission).

Conditions:
Microcephaly, epilepsy, and diabetes syndrome. Identifiers: Orphanet 306558, MedGen C3280240, MONDO:0100328.

Submission:

Labcorp Genetics (formerly Invitae), Labcorp
Classification: Uncertain significance for Microcephaly, epilepsy, and diabetes syndrome. Last evaluated: 2021-02-13. Review status: criteria provided, single submitter. Criteria: Invitae Variant Classification Sherloc (09022015). Collection method: clinical testing. Allele origin: germline.
Comment: In summary, the available evidence is currently insufficient to determine the role of this variant in disease. Therefore, it has been classified as a Variant of Uncertain Significance. Algorithms developed to predict the effect of missense changes on protein structure and function (SIFT, PolyPhen-2, Align-GVGD) all suggest that this variant is likely to be tolerated, but these predictions have not been confirmed by published functional studies and their clinical significance is uncertain. This variant has not been reported in the literature in individuals with IER3IP1-related conditions. This variant is not present in population databases (ExAC no frequency). This sequence change replaces threonine with alanine at codon 4 of the IER3IP1 protein (p.Thr4Ala). The threonine residue is moderately conserved and there is a small physicochemical difference between threonine and alanine.

NM_016097.5(IER3IP1):c.10A>G (p.Thr4Ala)

Gene: IER3IP1 (immediate early response 3 interacting protein 1; minus strand). Cytogenetic location: 18q21.1.
Variant type: single nucleotide variant.
Coding change: c.10A>G on transcript NM_016097.5 (MANE Select); coding-DNA position 10, A replaced by G.
Protein change: p.Thr4Ala; replaces threonine 4 with alanine.
Molecular consequence: missense variant.
Genome position (GRCh38, 1-based): chr18:47,176,268, T>C on the plus strand (A>G on the coding strand, the complement: IER3IP1 is on the minus strand). VCF-style: chr18-47176268-T-C. GRCh37 (hg19) VCF-style: chr18-44702639-T-C.
Other names: short protein forms T4A.
Identifiers: ClinVar variation 1045977 (VCV001045977.9), dbSNP rs2064033592, ClinGen allele CA402493220.